The following is an entry in ClinVar:

NM_001042681.2(RERE):c.4272G>A (p.Pro1424=)

Gene: RERE (arginine-glutamic acid dipeptide repeats; minus strand). Cytogenetic location: 1p36.23.
Variant type: single nucleotide variant.
Coding change: c.4272G>A on transcript NM_001042681.2 (MANE Select); coding-DNA position 4272, G replaced by A.
Protein change: p.Pro1424=; no amino-acid change (proline 1424 retained).
Molecular consequence: synonymous variant.
Genome position (GRCh38, 1-based): chr1:8,358,263, C>T on the plus strand (G>A on the coding strand, the complement: RERE is on the minus strand). VCF-style: chr1-8358263-C-T. GRCh37 (hg19) VCF-style: chr1-8418323-C-T.
Other names: c.2610G>A, p.Pro870= (NM_001042682.2); c.4272G>A, p.Pro1424= (NM_012102.4).
Identifiers: ClinVar variation 2638161 (VCV002638161.25), dbSNP rs766239539, ClinGen allele CA570853.
Genomic context (GRCh38, chr1:8,358,263, plus strand): 5'-GAGGGGGTCCTGCTGGTGGAGGTGGAGGTGGGAGTGAATGTGAGAGTGCTGGTGATGGTG[C>T]GGAGTCACGTTGAACATCTGCAGTCGGGCCAGGGGATCGCTGGTCAGCGATGCCATGCGC-3'
Protein context (NP_001036146.1, residues 1414-1434): LARLQMFNVT[Pro1424=]HHHQHSHIHS

ClinVar aggregate classification (germline): Likely benign. Review status: criteria provided, multiple submitters, no conflicts (2 of 4 stars). 2 submissions from 2 submitters: Likely benign (2). Last evaluated 2023-04-01.

Allele frequency attached by ClinVar (database versions not stated): TOPMed 0.00011; ExAC 0.00015.
gnomAD v4.1: 209 of 1,612,846 alleles (0.013%); highest among the groups gnomAD compares: Non-Finnish European, 0.016%; no homozygotes.

Submissions (2):

CeGaT Center for Human Genetics Tuebingen
Classification: Likely benign. Last evaluated: 2023-04-01. Review status: criteria provided, single submitter. Criteria: CeGaT Center For Human Genetics Tuebingen Variant Classification Criteria Version 2. Collection method: clinical testing. Allele origin: germline. Affected: yes. Observed: 1 variant allele.
Comment: RERE: BP4, BP7

Blueprint Genetics
Classification: Likely benign. Last evaluated: 2022-12-14. Review status: criteria provided, single submitter. Criteria: ACMG Guidelines, 2015. Collection method: clinical testing. Allele origin: germline.